The following is an entry in ClinVar:

ClinVar aggregate classification (germline): Uncertain significance (1 of 4 stars; one submission).

Conditions:
Hereditary nonpolyposis colorectal neoplasms. Identifiers: MedGen C0009405, MeSH D003123.

Submission:

Labcorp Genetics (formerly Invitae), Labcorp
Classification: Uncertain significance for Hereditary nonpolyposis colorectal neoplasms. Last evaluated: 2024-05-05. Review status: criteria provided, single submitter. Criteria: Invitae Variant Classification Sherloc (09022015). Collection method: clinical testing. Allele origin: germline.
Comment: This sequence change replaces threonine, which is neutral and polar, with asparagine, which is neutral and polar, at codon 832 of the PMS2 protein (p.Thr832Asn). The frequency data for this variant in the population databases (gnomAD) is considered unreliable due to the presence of homologous sequence, such as pseudogenes or paralogs, in the genome. This variant has not been reported in the literature in individuals affected with PMS2-related conditions. Advanced modeling of protein sequence and biophysical properties (such as structural, functional, and spatial information, amino acid conservation, physicochemical variation, residue mobility, and thermodynamic stability) has been performed at Invitae for this missense variant, however the output from this modeling did not meet the statistical confidence thresholds required to predict the impact of this variant on PMS2 protein function. In summary, the available evidence is currently insufficient to determine the role of this variant in disease. Therefore, it has been classified as a Variant of Uncertain Significance.

NM_000535.7(PMS2):c.2495C>A (p.Thr832Asn)

Gene: PMS2 (PMS1 homolog 2, mismatch repair system component; minus strand). Cytogenetic location: 7p22.1.
Variant type: single nucleotide variant.
Coding change: c.2495C>A on transcript NM_000535.7 (MANE Select); coding-DNA position 2495, C replaced by A.
Protein change: p.Thr832Asn; replaces threonine 832 with asparagine.
Molecular consequence: missense variant. On other transcripts: non-coding transcript variant (1).
Genome position (GRCh38, 1-based): chr7:5,973,493, G>T on the plus strand (C>A on the coding strand, the complement: PMS2 is on the minus strand). VCF-style: chr7-5973493-G-T. GRCh37 (hg19) VCF-style: chr7-6013124-G-T.
Other names: c.2210C>A, p.Thr737Asn (NM_001406876.1); c.2186C>A, p.Thr729Asn (NM_001406877.1, NM_001406878.1, NM_001406879.1 and 4 more transcripts); c.2177C>A, p.Thr726Asn (NM_001406883.1, NM_001322007.2, NM_001322008.2); c.2171C>A, p.Thr724Asn (NM_001406884.1); c.2159C>A, p.Thr720Asn (NM_001406885.1); c.2129C>A, p.Thr710Asn (NM_001406886.1); c.2123C>A, p.Thr708Asn (NM_001406887.1, NM_001406888.1, NM_001322009.2); c.2090C>A, p.Thr697Asn (NM_001406889.1, NM_001406890.1, NM_001406891.1 and 11 more transcripts); and 20 more; short protein forms T593N, T641N, T729N, T780N, T832N, T840N, T521N, T645N.
Identifiers: ClinVar variation 3730192 (VCV003730192.1).